The following is an entry in ClinVar:

NM_000455.5(STK11):c.401G>A (p.Cys134Tyr)

Gene: STK11 (serine/threonine kinase 11; plus strand). Cytogenetic location: 19p13.3.
Variant type: single nucleotide variant.
Coding change: c.401G>A on transcript NM_000455.5 (MANE Select); coding-DNA position 401, G replaced by A.
Protein change: p.Cys134Tyr; replaces cysteine 134 with tyrosine.
Molecular consequence: missense variant. On other transcripts: non-coding transcript variant (1).
Genome position (GRCh38, 1-based): chr19:1,219,350, G>A. VCF-style: chr19-1219350-G-A. GRCh37 (hg19) VCF-style: chr19-1219349-G-A.
Other names: c.401G>A, p.Cys134Tyr (NM_001407255.1); short protein forms C134Y.
Identifiers: ClinVar variation 3072972 (VCV003072972.3), dbSNP rs2145422276, ClinGen allele CA402948181.

ClinVar aggregate classification (germline): Uncertain significance. Review status: criteria provided, multiple submitters, no conflicts (2 of 4 stars). 3 submissions from 3 submitters: Uncertain significance (3). Last evaluated 2026-08-15.

Conditions:
Peutz-Jeghers syndrome (PJS). Also called: POLYPOSIS, HAMARTOMATOUS INTESTINAL; POLYPS-AND-SPOTS SYNDROME; Peutz-Jeghers polyposis; Periorificial lentiginosis syndrome. Identifiers: Orphanet 2869, MedGen C0031269, MeSH D010580, MONDO:0008280, OMIM 175200.
Hereditary cancer-predisposing syndrome. Also called: Tumor predisposition; Hereditary Cancer Syndrome; Neoplastic Syndromes, Hereditary; Hereditary neoplastic syndrome. Identifiers: Orphanet 140162, MedGen C0027672, MeSH D009386, MONDO:0015356.

gnomAD v4.1: 1 of 1,596,540 alleles (0.000063%); highest among the groups gnomAD compares: Non-Finnish European, 0.000085%; no homozygotes.

Submissions (3):

Ambry Genetics
Classification: Uncertain significance for Hereditary cancer-predisposing syndrome. Last evaluated: 2026-08-15. Review status: criteria provided, single submitter. Criteria: Ambry Variant Classification Scheme 2023. Collection method: clinical testing. Allele origin: germline.
Comment: The p.C134Y variant (also known as c.401G>A), located in coding exon 3 of the STK11 gene, results from a G to A substitution at nucleotide position 401. The cysteine at codon 134 is replaced by tyrosine, an amino acid with highly dissimilar properties. This amino acid position is conserved. In addition, this alteration is predicted to be deleterious by in silico analysis. Based on the available evidence, the clinical significance of this variant remains unclear.

Labcorp Genetics (formerly Invitae), Labcorp
Classification: Uncertain significance for Peutz-Jeghers syndrome. Last evaluated: 2025-12-22. Review status: criteria provided, single submitter. Criteria: Invitae Variant Classification Sherloc (09022015). Collection method: clinical testing. Allele origin: germline.
Comment: This sequence change replaces cysteine, which is neutral and slightly polar, with tyrosine, which is neutral and polar, at codon 134 of the STK11 protein (p.Cys134Tyr). This variant is not present in population databases (gnomAD no frequency). This variant has not been reported in the literature in individuals affected with STK11-related conditions. ClinVar contains an entry for this variant (Variation ID: 3072972). Invitae Evidence Modeling of protein sequence and biophysical properties (such as structural, functional, and spatial information, amino acid conservation, physicochemical variation, residue mobility, and thermodynamic stability) has been performed for this missense variant. However, the output from this modeling did not meet the statistical confidence thresholds required to predict the impact of this variant on STK11 protein function. In summary, the available evidence is currently insufficient to determine the role of this variant in disease. Therefore, it has been classified as a Variant of Uncertain Significance.

All of Us Research Program, National Institutes of Health
Classification: Uncertain significance for Peutz-Jeghers syndrome. Last evaluated: 2023-08-15. Review status: criteria provided, single submitter. Criteria: ACMG Guidelines, 2015. Collection method: clinical testing. Allele origin: germline. Inheritance: Autosomal dominant inheritance. Observed: 1 variant allele, 1 heterozygote.
Comment: This missense variant replaces cysteine with tyrosine at codon 134 of the STK11 protein. Computational prediction suggests that this variant may have deleterious impact on protein structure and function (internally defined REVEL score threshold >= 0.7, PMID: 27666373). To our knowledge, functional studies have not been reported for this variant. This variant has not been reported in individuals affected with STK11-related disorders in the literature. This variant has not been identified in the general population by the Genome Aggregation Database (gnomAD). The available evidence is insufficient to determine the role of this variant in disease conclusively. Therefore, this variant is classified as a Variant of Uncertain Significance.

This study involves interpretation of variants in research participants for the purpose of population health screening. Participant phenotype was not available at the time of variant classification. Additional details can be found in publication PMID: 35346344, PMCID: PMC8962531